The following is an entry in ClinVar:

ClinVar aggregate classification (germline): Likely benign. Review status: criteria provided, multiple submitters, no conflicts (2 of 4 stars). 3 submissions from 3 submitters: Likely benign (3). Last evaluated 2026-01-12.

Conditions:
AARS1-related disorder. Also called: AARS1-related condition.
Inborn genetic diseases. Identifiers: MedGen C0950123, MeSH D030342.
Charcot-Marie-Tooth disease type 2. Also called: Charcot-Marie-Tooth type 2. Identifiers: Orphanet 64746, MedGen C0270914, MONDO:0018993.

Allele frequency attached by ClinVar (database versions not stated): gnomAD exomes 0.00003 and 0.00012; gnomAD 0.00006 and 0.00009; ExAC 0.00007; TOPMed 0.00012.
gnomAD v4.1: 64 of 1,614,132 alleles (0.004%); highest among the groups gnomAD compares: East Asian, 0.12%; no homozygotes.

Submissions (3):

Labcorp Genetics (formerly Invitae), Labcorp
Classification: Likely benign for Charcot-Marie-Tooth disease type 2. Last evaluated: 2026-01-12. Review status: criteria provided, single submitter. Criteria: Invitae Variant Classification Sherloc (09022015). Collection method: clinical testing. Allele origin: germline.

PreventionGenetics, part of Exact Sciences
Classification: Likely benign for AARS1-related condition. Last evaluated: 2025-08-05. Review status: criteria provided, single submitter. Criteria: ACMG Guidelines, 2015. Collection method: clinical testing. Allele origin: germline.
Comment: This variant is classified as likely benign based on ACMG/AMP sequence variant interpretation guidelines (Richards et al. 2015 PMID: 25741868, with internal and published modifications).

Ambry Genetics
Classification: Likely benign for Inborn genetic diseases. Last evaluated: 2022-05-13. Review status: criteria provided, single submitter. Criteria: Ambry Variant Classification Scheme 2023. Collection method: clinical testing. Allele origin: germline.

NM_001605.3(AARS1):c.865G>A (p.Asp289Asn)

Gene: AARS1 (alanyl-tRNA synthetase 1; minus strand). Cytogenetic location: 16q22.1.
Variant type: single nucleotide variant.
Coding change: c.865G>A on transcript NM_001605.3 (MANE Select); coding-DNA position 865, G replaced by A.
Protein change: p.Asp289Asn; replaces aspartic acid 289 with asparagine.
Molecular consequence: missense variant.
Genome position (GRCh38, 1-based): chr16:70,269,715, C>T on the plus strand (G>A on the coding strand, the complement: AARS1 is on the minus strand). VCF-style: chr16-70269715-C-T. GRCh37 (hg19) VCF-style: chr16-70303618-C-T.
Other names: short protein forms D289N.
Identifiers: ClinVar variation 417199 (VCV000417199.12), dbSNP rs764718265, ClinGen allele CA8141010.